The following is an entry in ClinVar:

NM_153240.5(NPHP3):c.2310+1G>A

Genes: NPHP3 (nephrocystin 3; minus strand), NPHP3-ACAD11 (NPHP3-ACAD11 readthrough (NMD candidate); minus strand). Cytogenetic location: 3q22.1.
Variant type: single nucleotide variant.
Coding change: c.2310+1G>A on transcript NM_153240.5 (MANE Select); the canonical splice donor site of the intron after coding-DNA position 2310, G replaced by A.
Molecular consequence: splice donor variant.
Genome position (GRCh38, 1-based): chr3:132,694,826, C>T on the plus strand (G>A on the coding strand, the complement: NPHP3 is on the minus strand). VCF-style: chr3-132694826-C-T. GRCh37 (hg19) VCF-style: chr3-132413670-C-T.
Identifiers: ClinVar variation 5018847 (VCV005018847.2).

ClinVar aggregate classification (germline): Likely pathogenic (1 of 4 stars; one submission).

Conditions:
NPHP3-related Meckel-like syndrome. Also called: Meckel syndrome type 7; GOLDSTON SYNDROME. Identifiers: Orphanet 3032, MedGen C2673885, MONDO:0009966, OMIM 267010.
Renal-hepatic-pancreatic dysplasia 1 (RHPD1). Identifiers: MedGen C3715199, MONDO:0008833, OMIM 208540.
Nephronophthisis 3 (NPHP3). Also called: Adolescent nephronophthisis. Identifiers: Orphanet 655, MedGen C1858392, MONDO:0011456, OMIM 604387.

gnomAD v4.1: 1 of 1,612,838 alleles (0.000062%); highest among the groups gnomAD compares: Admixed American, 0.0017%; no homozygotes.

Submission:

Juno Genomics, Hangzhou Juno Genomics, Inc
Classification: Likely pathogenic for NPHP3-related Meckel-like syndrome; Nephronophthisis 3; Renal-hepatic-pancreatic dysplasia 1. Review status: criteria provided, single submitter. Criteria: ACMG Guidelines, 2015. Collection method: clinical testing. Allele origin: germline.
Comment: Absent from controls (or at extremely low frequency if recessive) in Genome Aggregation Database.;Null variant in a gene where loss of function (LOF) is a known mechanism of disease.